The following is an entry in ClinVar:

ClinVar aggregate classification (germline): Uncertain significance. Review status: criteria provided, multiple submitters, no conflicts (2 of 4 stars). 2 submissions from 2 submitters: Uncertain significance (2). Last evaluated 2022-07-05.

Conditions:
Inborn genetic diseases. Identifiers: MedGen C0950123, MeSH D030342.
Charcot-Marie-Tooth disease axonal type 2P. Also called: CHARCOT-MARIE-TOOTH NEUROPATHY, TYPE 2P; Charcot-Marie-Tooth Neuropathy Type 2G; CHARCOT-MARIE-TOOTH DISEASE, AXONAL, TYPE 2G; CMT 2G. Identifiers: Orphanet 300319, Orphanet 99941, MedGen C3280797, MONDO:0013753, OMIM 614436.

Allele frequency attached by ClinVar (database versions not stated): ExAC 0.00001; gnomAD 0.00001 and 0.00003; gnomAD exomes 0.00001; TOPMed 0.00003.
gnomAD v4.1: 17 of 1,613,816 alleles (0.0011%); highest among the groups gnomAD compares: Non-Finnish European, 0.0014%; no homozygotes.

Submissions (2):

Labcorp Genetics (formerly Invitae), Labcorp
Classification: Uncertain significance for Charcot-Marie-Tooth disease axonal type 2P. Last evaluated: 2022-07-05. Review status: criteria provided, single submitter. Criteria: Invitae Variant Classification Sherloc (09022015). Collection method: clinical testing. Allele origin: germline.
Comment: This sequence change replaces alanine, which is neutral and non-polar, with valine, which is neutral and non-polar, at codon 651 of the LRSAM1 protein (p.Ala651Val). This variant is present in population databases (rs777233045, gnomAD 0.002%). In summary, the available evidence is currently insufficient to determine the role of this variant in disease. Therefore, it has been classified as a Variant of Uncertain Significance. Algorithms developed to predict the effect of missense changes on protein structure and function (SIFT, PolyPhen-2, Align-GVGD) all suggest that this variant is likely to be tolerated. ClinVar contains an entry for this variant (Variation ID: 661879). This variant has not been reported in the literature in individuals affected with LRSAM1-related conditions.

Ambry Genetics
Classification: Uncertain significance for Inborn genetic diseases. Last evaluated: 2020-03-16. Review status: criteria provided, single submitter. Criteria: Ambry Variant Classification Scheme 2023. Collection method: clinical testing. Allele origin: germline.
Comment: The p.A651V variant (also known as c.1952C>T), located in coding exon 23 of the LRSAM1 gene, results from a C to T substitution at nucleotide position 1952. The alanine at codon 651 is replaced by valine, an amino acid with similar properties. This amino acid position is well conserved in available vertebrate species. In addition, this alteration is predicted to be tolerated by in silico analysis. Since supporting evidence is limited at this time, the clinical significance of this alteration remains unclear.

NM_001005373.4(LRSAM1):c.1952C>T (p.Ala651Val)

Gene: LRSAM1 (leucine rich repeat and sterile alpha motif containing 1; plus strand). Cytogenetic location: 9q34.11.
Variant type: single nucleotide variant.
Coding change: c.1952C>T on transcript NM_001005373.4 (MANE Select); coding-DNA position 1952, C replaced by T.
Protein change: p.Ala651Val; replaces alanine 651 with valine.
Molecular consequence: missense variant. On other transcripts: non-coding transcript variant (2).
Genome position (GRCh38, 1-based): chr9:127,501,049, C>T. VCF-style: chr9-127501049-C-T. GRCh37 (hg19) VCF-style: chr9-130263328-C-T.
Other names: c.1952C>T, p.Ala651Val (NM_001005374.4, NM_001384142.1, NM_138361.5); c.1871C>T, p.Ala624Val (NM_001190723.3); c.1853C>T, p.Ala618Val (NM_001384143.1); c.1163C>T, p.Ala388Val (NM_001384144.1); c.1952C>T (NM_138361.4); short protein forms A624V, A651V, A388V, A618V.
Identifiers: ClinVar variation 661879 (VCV000661879.10), dbSNP rs777233045, ClinGen allele CA5247212.